The following is an entry in ClinVar:

NM_006005.3(WFS1):c.1699_1704del (p.565LF[1])

Gene: WFS1 (wolframin ER transmembrane glycoprotein; plus strand). Cytogenetic location: 4p16.1.
Variant type: Deletion.
Coding change: c.1699_1704del on transcript NM_006005.3 (MANE Select); coding-DNA positions 1699 to 1704, 6 bases deleted (CTCTTT; older notation c.1699_1704delCTCTTT).
Protein change: p.565LF[1].
Molecular consequence: inframe deletion.
Genome position (GRCh38, 1-based): chr4:6,301,494-6,301,499, CTCTTT deleted. VCF-style (leftmost placement, unchanged base first): chr4-6301493-CCTCTTT-C. GRCh37 (hg19) VCF-style: chr4-6303220-CCTCTTT-C.
Other names: c.1699_1704del, p.565LF[1] (NM_001145853.1).
Identifiers: ClinVar variation 2502815 (VCV002502815.5), dbSNP rs774416127, ClinGen allele CA2839453.
Genomic context (GRCh38, chr4:6,301,493, plus strand): 5'-CATCCTGCTGGAGTCCACCGGCCTGGGGCTGCTCCGCGCCTCCATCGGCTACTTCCTCTT[CCTCTTT>C]GCCCTCCCCATCCTGGTGGCCGGCCTGGCCCTGGTGGGCGTGCTGCAGTTCGCCCGGTGG-3'

ClinVar aggregate classification (germline): Pathogenic/Likely pathogenic. Review status: criteria provided, multiple submitters, no conflicts (2 of 4 stars). 4 submissions from 4 submitters: Pathogenic (1); Likely pathogenic (3). Last evaluated 2024-12-05.

Conditions:
Cataract 41 (CTRCT41). Also called: CATARACT 41, CONGENITAL NUCLEAR TYPE. Identifiers: Orphanet 91492, Orphanet 98991, Orphanet 98992, Orphanet 98995, MedGen C3805412, MONDO:0007287, OMIM 116400.
Autosomal dominant nonsyndromic hearing loss 6 (LFSNHL). Also called: DEAFNESS, AUTOSOMAL DOMINANT 6; DEAFNESS, AUTOSOMAL DOMINANT 14; DEAFNESS, AUTOSOMAL DOMINANT 38; Autosomal dominant nonsyndromic deafness 6. Identifiers: Orphanet 90635, MedGen C1833021, MONDO:0010963, OMIM 600965.
Type 2 diabetes mellitus. Also called: Type II diabetes mellitus. Identifiers: MedGen C0011860, MeSH D003924, MONDO:0005148, OMIM 125853, HP:0005978.
Wolfram-like syndrome. Also called: HEARING LOSS, PROGRESSIVE, WITH OPTIC ATROPHY AND/OR IMPAIRED GLUCOSE REGULATION. Identifiers: Orphanet 411590, MedGen C3280358, MONDO:0013673, OMIM 614296.
Wolfram syndrome 1 (WFS1). Identifiers: Orphanet 3463, MedGen C4551693, MONDO:0009101, OMIM 222300.
WFS1-related disorder. Identifiers: MedGen CN379391, MONDO:0700293.

Allele frequency attached by ClinVar (database versions not stated): ExAC 0.00001; gnomAD 0.00001; gnomAD exomes 0.00002; TOPMed 0.00003.

Submissions (4):

GeneDx
Classification: Likely pathogenic. Last evaluated: 2024-12-05. Review status: criteria provided, single submitter. Criteria: GeneDx Variant Classification Process June 2021. Collection method: clinical testing. Allele origin: germline.
Comment: Not observed at significant frequency in large population cohorts (gnomAD); In silico analysis supports a deleterious effect on protein structure/function; In-frame deletion of 2 amino acids in a non-repeat region; This variant is associated with the following publications: (PMID: 11317350, 12955714, 20738327, 10521293, 28432734)

3billion
Classification: Likely pathogenic for Wolfram syndrome 1. Last evaluated: 2024-07-16. Review status: criteria provided, single submitter. Criteria: ACMG Guidelines, 2015. Collection method: clinical testing. Allele origin: germline. Affected: yes.
Comment: The variant is observed at an extremely low frequency in the gnomAD v4.0.0 dataset (total allele frequency: 0.002%). Predicted Consequence/Location: Inframe deletion located in a nonrepeat region: predicted to change the length of the protein and disrupt normal protein function. The variant has been reported to be in trans with a pathogenic variant as either compound heterozygous or homozygous in at least one similarly affected unrelated individual (PMID: 10521293, 11317350, 20738327, 28432734). The variant has been reported to be associated with WFS1 related disorder (ClinVar ID: VCV002502815 /PMID: 10521293). Therefore, this variant is classified as Likely pathogenic according to the recommendation of ACMG/AMP guideline.

Fulgent Genetics
Classification: Likely pathogenic for Cataract 41; Type 2 diabetes mellitus; Wolfram syndrome 1; Autosomal dominant nonsyndromic hearing loss 6; Wolfram-like syndrome. Last evaluated: 2024-01-09. Review status: criteria provided, single submitter. Criteria: ACMG Guidelines, 2015. Collection method: clinical testing. Allele origin: germline.

Blueprint Genetics
Classification: Pathogenic for WFS1-related disorders. Last evaluated: 2022-06-08. Review status: criteria provided, single submitter. Criteria: ACMG Guidelines, 2015. Collection method: clinical testing. Allele origin: germline. Affected: yes. Observed: 1 variant allele.

Literature cited by the submitters: PubMed 28432734 (cited by 3billion); PubMed 11317350 (cited by 3billion); PubMed 20738327 (cited by 3billion); PubMed 10521293 (cited by 3billion).